The following is an entry in ClinVar:

ClinVar aggregate classification (germline): Uncertain significance (1 of 4 stars; one submission).

Allele frequency attached by ClinVar (database versions not stated): gnomAD exomes 0.00002; ExAC 0.00005; ESP Exome Variant Server 0.00008.
gnomAD v4.1: 35 of 1,614,030 alleles (0.0022%); highest among the groups gnomAD compares: African/African-American, 0.0093%; no homozygotes.

Submission:

Labcorp Genetics (formerly Invitae), Labcorp
Classification: Uncertain significance. Last evaluated: 2025-10-07. Review status: criteria provided, single submitter. Criteria: Invitae Variant Classification Sherloc (09022015). Collection method: clinical testing. Allele origin: germline.
Comment: This sequence change replaces proline, which is neutral and non-polar, with leucine, which is neutral and non-polar, at codon 1093 of the ADAMTS17 protein (p.Pro1093Leu). This variant is present in population databases (rs373899380, gnomAD 0.008%). This variant has not been reported in the literature in individuals affected with ADAMTS17-related conditions. ClinVar contains an entry for this variant (Variation ID: 1466655). An algorithm developed to predict the effect of missense changes on protein structure and function (PolyPhen-2) suggests that this variant is likely to be tolerated. In summary, the available evidence is currently insufficient to determine the role of this variant in disease. Therefore, it has been classified as a Variant of Uncertain Significance.

NM_139057.4(ADAMTS17):c.3278C>T (p.Pro1093Leu)

Gene: ADAMTS17 (ADAM metallopeptidase with thrombospondin type 1 motif 17; minus strand). Cytogenetic location: 15q26.3.
Variant type: single nucleotide variant.
Coding change: c.3278C>T on transcript NM_139057.4 (MANE Select); coding-DNA position 3278, C replaced by T.
Protein change: p.Pro1093Leu; replaces proline 1093 with leucine.
Molecular consequence: missense variant.
Genome position (GRCh38, 1-based): chr15:99,974,412, G>A on the plus strand (C>T on the coding strand, the complement: ADAMTS17 is on the minus strand). VCF-style: chr15-99974412-G-A. GRCh37 (hg19) VCF-style: chr15-100514617-G-A.
Other names: short protein forms P1093L.
Identifiers: ClinVar variation 1466655 (VCV001466655.7), dbSNP rs373899380, ClinGen allele CA7757400.